The following is an entry in ClinVar:

NM_000875.5(IGF1R):c.575G>A (p.Cys192Tyr)

Gene: IGF1R (insulin like growth factor 1 receptor; plus strand). Cytogenetic location: 15q26.3.
Variant type: single nucleotide variant.
Coding change: c.575G>A on transcript NM_000875.5 (MANE Select); coding-DNA position 575, G replaced by A.
Protein change: p.Cys192Tyr; replaces cysteine 192 with tyrosine.
Molecular consequence: missense variant.
Genome position (GRCh38, 1-based): chr15:98,708,042, G>A. VCF-style: chr15-98708042-G-A. GRCh37 (hg19) VCF-style: chr15-99251271-G-A.
Other names: c.575G>A, p.Cys192Tyr (NM_001291858.2); short protein forms C192Y.
Identifiers: ClinVar variation 2664986 (VCV002664986.2), dbSNP rs2505517201, ClinGen allele CA393697579.

ClinVar aggregate classification (germline): Uncertain significance (1 of 4 stars; one submission).

Conditions:
Growth delay due to insulin-like growth factor I resistance. Also called: Insulin-Like Growth Factor I Resistance; Somatomedin end-organ insensitivity to; Somatomedin-c resistance to; IGF-1 resistance; IGF-I RESISTANCE. Identifiers: Orphanet 73273, MedGen C1849157, MONDO:0010038, OMIM 270450.

Submission:

Institute of Human Genetics, University of Leipzig Medical Center
Classification: Uncertain significance for Growth delay due to insulin-like growth factor I resistance. Last evaluated: 2023-11-27. Review status: criteria provided, single submitter. Criteria: ACMG Guidelines, 2015. Collection method: clinical testing. Allele origin: unknown. Inheritance: Autosomal dominant inheritance. Affected: yes.
Comment: Criteria applied: PM2_SUP,PP3